The following is an entry in ClinVar:

ClinVar aggregate classification (germline): Benign/Likely benign. Review status: criteria provided, multiple submitters, no conflicts (2 of 4 stars). 11 submissions from 11 submitters: Benign (9); Likely benign (2). Last evaluated 2026-03-27.

Conditions:
Ehlers-Danlos syndrome, classic type, 1 (EDSCL1). Also called: Ehlers-Danlos syndrome, type 1; Ehlers-Danlos Syndrome, Classic Type, COL5A1-Related; EDS I; EHLERS-DANLOS SYNDROME, GRAVIS TYPE; EHLERS-DANLOS SYNDROME, SEVERE CLASSIC TYPE. Identifiers: MedGen C0268335, MONDO:0019567, OMIM 130000.
Ehlers-Danlos syndrome, classic type, 2 (EDSCL2). Also called: Ehlers-Danlos syndrome, type 2; Ehlers-Danlos Syndrome, Classic Type, COL5A2-Related; Ehlers-Danlos syndrome type 2 (formerly). Identifiers: Orphanet 287, Orphanet 90318, MedGen C0268336, MONDO:0019568, OMIM 130010.
Familial thoracic aortic aneurysm and aortic dissection (TAAD). Also called: Thoracic aortic aneurysms and dissections. Identifiers: Orphanet 91387, MedGen C4707243, MONDO:0019625.

Allele frequency attached by ClinVar (database versions not stated): gnomAD exomes 0.00078 and 0.00185; ExAC 0.00214; 1000 Genomes Project 30x 0.00500; 1000 Genomes Project 0.00539; gnomAD 0.00628 and 0.00687; TOPMed 0.00703; ESP Exome Variant Server 0.00784.
gnomAD v4.1: 2,167 of 1,614,060 alleles (0.13%); highest among the groups gnomAD compares: African/African-American, 2.2%; 22 homozygotes.

Submissions (11):

Molecular Diagnostic Laboratory for Inherited Cardiovascular Disease, Montreal Heart Institute
Classification: Benign. Last evaluated: 2026-03-27. Review status: criteria provided, single submitter. Criteria: ACMG Guidelines, 2015. Collection method: clinical testing. Allele origin: germline. Affected: no.

Labcorp Genetics (formerly Invitae), Labcorp
Classification: Benign for Ehlers-Danlos syndrome, classic type, 1. Last evaluated: 2026-02-02. Review status: criteria provided, single submitter. Criteria: Invitae Variant Classification Sherloc (09022015). Collection method: clinical testing. Allele origin: germline.

Blueprint Genetics
Classification: Benign. Last evaluated: 2024-11-26. Review status: criteria provided, single submitter. Criteria: ACMG Guidelines, 2015. Collection method: clinical testing. Allele origin: germline.

ARUP Laboratories, Molecular Genetics and Genomics, ARUP Laboratories
Classification: Benign for Ehlers-Danlos syndrome, classic type, 2. Last evaluated: 2023-09-22. Review status: criteria provided, single submitter. Criteria: ARUP Molecular Germline Variant Investigation Process 2024. Collection method: clinical testing. Allele origin: germline.

Women's Health and Genetics/Laboratory Corporation of America, LabCorp
Classification: Benign. Last evaluated: 2023-07-21. Review status: criteria provided, single submitter. Criteria: LabCorp Variant Classification Summary - May 2015. Collection method: clinical testing. Allele origin: germline.

Mayo Clinic Laboratories, Mayo Clinic
Classification: Benign. Last evaluated: 2018-07-18. Review status: criteria provided, single submitter. Criteria: ACMG Guidelines, 2015. Collection method: clinical testing. Allele origin: germline. Observed: 16 variant alleles.

Illumina Laboratory Services, Illumina
Classification: Benign for Ehlers-Danlos syndrome, classic type, 2. Last evaluated: 2018-01-13. Review status: criteria provided, single submitter. Criteria: ICSL Variant Classification Criteria 13 December 2019. Collection method: clinical testing. Allele origin: germline.
Comment: This variant was observed in the ICSL laboratory as part of a predisposition screen in an ostensibly healthy population. It had not been previously curated by ICSL or reported in the Human Gene Mutation Database (HGMD: prior to June 1st, 2018), and was therefore a candidate for classification through an automated scoring system. Utilizing variant allele frequency, disease prevalence and penetrance estimates, and inheritance mode, an automated score was calculated to assess if this variant is too frequent to cause the disease. Based on the score and internal cut-off values, a variant classified as benign is not then subjected to further curation. The score for this variant resulted in a classification of benign for this disease.

Ambry Genetics
Classification: Benign for Familial thoracic aortic aneurysm and aortic dissection. Last evaluated: 2015-08-25. Review status: criteria provided, single submitter. Criteria: Ambry Variant Classification Scheme 2023. Collection method: clinical testing. Allele origin: germline.

GeneDx
Classification: Benign. Last evaluated: 2013-10-21. Review status: criteria provided, single submitter. Criteria: GeneDx Variant Classification (06012015). Collection method: clinical testing. Allele origin: germline. Affected: yes.
Comment: This variant is considered likely benign or benign based on one or more of the following criteria: it is a conservative change, it occurs at a poorly conserved position in the protein, it is predicted to be benign by multiple in silico algorithms, and/or has population frequency not consistent with disease.

Breakthrough Genomics
Classification: Likely benign. Review status: criteria provided, single submitter. Criteria: ACMG Guidelines, 2015. Collection method: not provided. Allele origin: germline. Inheritance: Autosomal dominant inheritance. Affected: yes.

PreventionGenetics, part of Exact Sciences
Classification: Likely benign. Review status: criteria provided, single submitter. Criteria: ACMG Guidelines, 2015. Collection method: clinical testing. Allele origin: germline.

NM_000393.5(COL5A2):c.249C>T (p.Ala83=)

Gene: COL5A2 (collagen type V alpha 2 chain; minus strand). Cytogenetic location: 2q32.2.
Variant type: single nucleotide variant.
Coding change: c.249C>T on transcript NM_000393.5 (MANE Select); coding-DNA position 249, C replaced by T.
Protein change: p.Ala83=; no amino-acid change (alanine 83 retained).
Molecular consequence: synonymous variant.
Genome position (GRCh38, 1-based): chr2:189,110,298, G>A on the plus strand (C>T on the coding strand, the complement: COL5A2 is on the minus strand). VCF-style: chr2-189110298-G-A. GRCh37 (hg19) VCF-style: chr2-189975024-G-A.
Other names: p.A83A:GCC>GCT; p.Ala83=; c.249C>T (NM_000393.4).
Identifiers: ClinVar variation 136962 (VCV000136962.32), dbSNP rs142388534, ClinGen allele CA290407.